The following is an entry in ClinVar:

ClinVar aggregate classification (germline): Conflicting classifications of pathogenicity. Review status: criteria provided, conflicting classifications (1 of 4 stars). 3 submissions from 3 submitters: Uncertain significance (2); Likely benign (1). Last evaluated 2025-09-09.

Conditions:
Inborn genetic diseases. Identifiers: MedGen C0950123, MeSH D030342.
Chédiak-Higashi syndrome (CHS). Also called: Chediak-Higashi Syndrome. Identifiers: Orphanet 167, MedGen C0007965, MONDO:0008963, OMIM 214500.

Allele frequency attached by ClinVar (database versions not stated): gnomAD exomes 0.00002; ExAC 0.00003; ESP Exome Variant Server 0.00015; gnomAD 0.00016.
gnomAD v4.1: 48 of 1,613,892 alleles (0.003%); highest among the groups gnomAD compares: African/African-American, 0.044%; no homozygotes.

Submissions (3):

Ambry Genetics
Classification: Likely benign for Inborn genetic diseases. Last evaluated: 2025-09-09. Review status: criteria provided, single submitter. Criteria: Ambry Variant Classification Scheme 2023. Collection method: clinical testing. Allele origin: germline.

Women's Health and Genetics/Laboratory Corporation of America, LabCorp
Classification: Uncertain significance. Last evaluated: 2024-02-26. Review status: criteria provided, single submitter. Criteria: LabCorp Variant Classification Summary - May 2015. Collection method: clinical testing. Allele origin: germline.
Comment: Variant summary: LYST c.2756C>T (p.Ser919Leu) results in a non-conservative amino acid change in the encoded protein sequence. Three of four in-silico tools predict a benign effect of the variant on protein function. The variant allele was found at a frequency of 1.6e-05 in 250526 control chromosomes (gnomAD). The available data on variant occurrences in the general population are insufficient to allow any conclusion about variant significance. To our knowledge, no occurrence of c.2756C>T in individuals affected with Chediak-Higashi Syndrome and no experimental evidence demonstrating its impact on protein function have been reported. ClinVar contains an entry for this variant (Variation ID: 1062893). Based on the evidence outlined above, the variant was classified as uncertain significance.

Labcorp Genetics (formerly Invitae), Labcorp
Classification: Uncertain significance for Chédiak-Higashi syndrome. Last evaluated: 2022-08-07. Review status: criteria provided, single submitter. Criteria: Invitae Variant Classification Sherloc (09022015). Collection method: clinical testing. Allele origin: germline.
Comment: This sequence change replaces serine, which is neutral and polar, with leucine, which is neutral and non-polar, at codon 919 of the LYST protein (p.Ser919Leu). This variant is present in population databases (rs369772005, gnomAD 0.05%). This variant has not been reported in the literature in individuals affected with LYST-related conditions. ClinVar contains an entry for this variant (Variation ID: 1062893). Algorithms developed to predict the effect of missense changes on protein structure and function output the following: SIFT: "Tolerated"; PolyPhen-2: "Benign"; Align-GVGD: "Class C0". The leucine amino acid residue is found in multiple mammalian species, which suggests that this missense change does not adversely affect protein function. In summary, the available evidence is currently insufficient to determine the role of this variant in disease. Therefore, it has been classified as a Variant of Uncertain Significance.

NM_000081.4(LYST):c.2756C>T (p.Ser919Leu)

Gene: LYST (lysosomal trafficking regulator; minus strand). Cytogenetic location: 1q42.3.
Variant type: single nucleotide variant.
Coding change: c.2756C>T on transcript NM_000081.4 (MANE Select); coding-DNA position 2756, C replaced by T.
Protein change: p.Ser919Leu; replaces serine 919 with leucine.
Molecular consequence: missense variant.
Genome position (GRCh38, 1-based): chr1:235,806,380, G>A on the plus strand (C>T on the coding strand, the complement: LYST is on the minus strand). VCF-style: chr1-235806380-G-A. GRCh37 (hg19) VCF-style: chr1-235969680-G-A.
Other names: c.2756C>T (NM_000081.2); c.2756C>T, p.Ser919Leu (NM_001301365.1); short protein forms S919L.
Identifiers: ClinVar variation 1062893 (VCV001062893.8), dbSNP rs369772005, ClinGen allele CA1467218.
Genomic context (GRCh38, chr1:235,806,380, plus strand): 5'-TGACTTAAAGGCTCGCTGGCTGTGCTGTCATAGCCAGAAGTATCTTCTGAGTCATTGGCC[G>A]ACTCCCTGTCAGACTCTGCTTCTTTACTTACGCATAAAAAAGCCACACAGAGGAATAGGT-3'
Protein context (NP_000072.2, residues 909-929): VSKEAESDRE[Ser919Leu]ANDSEDTSGY